The following is an entry in ClinVar:

ClinVar aggregate classification (germline): Uncertain significance (1 of 4 stars; one submission).

gnomAD v4.1: 2 of 1,512,362 alleles (0.00013%); highest among the groups gnomAD compares: East Asian, 0.0026%; no homozygotes.

Submission:

Labcorp Genetics (formerly Invitae), Labcorp
Classification: Uncertain significance. Last evaluated: 2021-10-16. Review status: criteria provided, single submitter. Criteria: Invitae Variant Classification Sherloc (09022015). Collection method: clinical testing. Allele origin: germline.
Comment: In summary, the available evidence is currently insufficient to determine the role of this variant in disease. Therefore, it has been classified as a Variant of Uncertain Significance. Advanced modeling of protein sequence and biophysical properties (such as structural, functional, and spatial information, amino acid conservation, physicochemical variation, residue mobility, and thermodynamic stability) performed at Invitae indicates that this missense variant is not expected to disrupt SLC12A2 protein function. This variant has not been reported in the literature in individuals affected with SLC12A2-related conditions. This variant is not present in population databases (ExAC no frequency). This sequence change replaces histidine with arginine at codon 859 of the SLC12A2 protein (p.His859Arg). The histidine residue is moderately conserved and there is a small physicochemical difference between histidine and arginine.

NM_001046.3(SLC12A2):c.2576A>G (p.His859Arg)

Gene: SLC12A2 (solute carrier family 12 member 2; plus strand). Cytogenetic location: 5q23.3.
Variant type: single nucleotide variant.
Coding change: c.2576A>G on transcript NM_001046.3 (MANE Select); coding-DNA position 2576, A replaced by G.
Protein change: p.His859Arg; replaces histidine 859 with arginine.
Molecular consequence: missense variant. On other transcripts: non-coding transcript variant (1).
Genome position (GRCh38, 1-based): chr5:128,161,760, A>G. VCF-style: chr5-128161760-A-G. GRCh37 (hg19) VCF-style: chr5-127497452-A-G.
Other names: c.2576A>G, p.His859Arg (NM_001256461.2); short protein forms H859R.
Identifiers: ClinVar variation 1463624 (VCV001463624.6), dbSNP rs1763046998, ClinGen allele CA360751516.
Genomic context (GRCh38, chr5:128,161,760, plus strand): 5'-AAGCCAAATATCAGCGATGGCTTATTAAGAACAAAATGAAGGCATTTTATGCTCCAGTAC[A>G]TGCAGATGACTTGAGAGAAGGTGCACAGTATTTGATGCAGGTAACTTTGTTAATGCTTTT-3'
Protein context (NP_001037.1, residues 849-869): NKMKAFYAPV[His859Arg]ADDLREGAQY